The following is an entry in ClinVar:

NM_000081.4(LYST):c.3286A>G (p.Ser1096Gly)

Gene: LYST (lysosomal trafficking regulator; minus strand). Cytogenetic location: 1q42.3.
Variant type: single nucleotide variant.
Coding change: c.3286A>G on transcript NM_000081.4 (MANE Select); coding-DNA position 3286, A replaced by G.
Protein change: p.Ser1096Gly; replaces serine 1096 with glycine.
Molecular consequence: missense variant.
Genome position (GRCh38, 1-based): chr1:235,805,850, T>C on the plus strand (A>G on the coding strand, the complement: LYST is on the minus strand). VCF-style: chr1-235805850-T-C. GRCh37 (hg19) VCF-style: chr1-235969150-T-C.
Other names: c.3286A>G, p.Ser1096Gly (NM_001301365.1); short protein forms S1096G.
Identifiers: ClinVar variation 2186392 (VCV002186392.4), dbSNP rs2527070919, ClinGen allele CA344951961.

ClinVar aggregate classification (germline): Uncertain significance (1 of 4 stars; one submission).

Conditions:
Chédiak-Higashi syndrome (CHS). Also called: Chediak-Higashi Syndrome. Identifiers: Orphanet 167, MedGen C0007965, MONDO:0008963, OMIM 214500.

Allele frequency attached by ClinVar (database versions not stated): gnomAD exomes below 0.00001.
gnomAD v4.1: 1 of 1,613,826 alleles (0.000062%); highest among the groups gnomAD compares: Non-Finnish European, 0.000085%; no homozygotes.

Submission:

Labcorp Genetics (formerly Invitae), Labcorp
Classification: Uncertain significance for Chédiak-Higashi syndrome. Last evaluated: 2022-08-07. Review status: criteria provided, single submitter. Criteria: Invitae Variant Classification Sherloc (09022015). Collection method: clinical testing. Allele origin: germline.
Comment: This sequence change replaces serine, which is neutral and polar, with glycine, which is neutral and non-polar, at codon 1096 of the LYST protein (p.Ser1096Gly). In summary, the available evidence is currently insufficient to determine the role of this variant in disease. Therefore, it has been classified as a Variant of Uncertain Significance. Algorithms developed to predict the effect of missense changes on protein structure and function (SIFT, PolyPhen-2, Align-GVGD) all suggest that this variant is likely to be tolerated. This variant has not been reported in the literature in individuals affected with LYST-related conditions. This variant is not present in population databases (gnomAD no frequency).